The following is an entry in ClinVar:

ClinVar aggregate classification (germline): Pathogenic (1 of 4 stars; one submission).

Conditions:
RPE65-related recessive retinopathy. Also called: Recessive RPE65 retinopathy. Identifiers: MedGen CN305526, MONDO:0100368.

Submission:

Myriad Genetics, Inc.
Classification: Pathogenic for RPE65-related recessive retinopathy. Last evaluated: 2024-05-14. Review status: criteria provided, single submitter. Criteria: Myriad Autosomal Dominant, Autosomal Recessive and X-Linked Classification Criteria (2023). Collection method: clinical testing. Allele origin: unknown.
Comment: NM_000329.2(RPE65):c.667_668delTCinsA(S223Kfs*23) is expected to be pathogenic in the context of inherited retinal dystrophy, RPE65-related. This variant is predicted to lead to an abnormal or absent protein product due to the creation of a premature termination codon in RPE65, a gene where loss-of-function variants are known to be pathogenic. Please note: this variant was assessed in the context of healthy population screening.

NM_000329.3(RPE65):c.667_668delinsA (p.Ser223fs)

Gene: RPE65 (retinoid isomerohydrolase RPE65; minus strand). Cytogenetic location: 1p31.3.
Variant type: Indel.
Coding change: c.667_668delinsA on transcript NM_000329.3 (MANE Select); coding-DNA positions 667 to 668, TC replaced by A.
Protein change: p.Ser223fs; shifts the reading frame from serine 223.
Molecular consequence: frameshift variant.
Genome position (GRCh38, 1-based): chr1:68,439,618-68,439,619, GA replaced by T on the plus strand (TC replaced by A on the coding strand, the reverse complement: RPE65 is on the minus strand). VCF-style: chr1-68439618-GA-T. GRCh37 (hg19) VCF-style: chr1-68905301-GA-T.
Other names: c.559_560delinsA, p.Ser187fs (NM_001406853.1); c.391_392delinsA, p.Ser131fs (NM_001406856.1, NM_001406857.1); c.667_668delinsA, p.Ser223fs (NM_001406859.1); short protein forms S131fs, S187fs, S223fs.
Identifiers: ClinVar variation 5010933 (VCV005010933.1).